The following is an entry in ClinVar:

NM_014874.4(MFN2):c.830A>G (p.His277Arg)

Gene: MFN2 (mitofusin 2; plus strand). Cytogenetic location: 1p36.22.
Variant type: single nucleotide variant.
Coding change: c.830A>G on transcript NM_014874.4 (MANE Select); coding-DNA position 830, A replaced by G.
Protein change: p.His277Arg; replaces histidine 277 with arginine.
Molecular consequence: missense variant.
Genome position (GRCh38, 1-based): chr1:12,001,414, A>G. VCF-style: chr1-12001414-A-G. GRCh37 (hg19) VCF-style: chr1-12061471-A-G.
Other names: c.830A>G, p.His277Arg (NM_001127660.2); short protein forms H277R.
Identifiers: ClinVar variation 420143 (VCV000420143.2), dbSNP rs1064794316, ClinGen allele CA16616964.

ClinVar aggregate classification (germline): Likely pathogenic. Review status: criteria provided, single submitter (1 of 4 stars). 2 submissions from 2 submitters: Likely pathogenic (1). 1 of the submissions does not count toward it. Last evaluated 2016-02-08.

Conditions:
Charcot-Marie-Tooth disease. Also called: Charcot-Marie-Tooth Neuropathy; Charcot-Marie-Tooth Hereditary Neuropathy. Identifiers: Orphanet 166, MedGen C0007959, MONDO:0015626.

Submissions (2):

GeneDx
Classification: Likely pathogenic. Last evaluated: 2016-02-08. Review status: criteria provided, single submitter. Criteria: GeneDx Variant Classification (06012015). Collection method: clinical testing. Allele origin: germline. Affected: yes.
Comment: The H277R variant was not observed in approximately 6,500 individuals of European and African American ancestry in the NHLBI Exome Sequencing Project, indicating it is not a common benign variant in these populations. This substitution occurs at a position that is conserved across species and this position is predicted to be within the GTPase domain of the MFN2 protein, where many pathogenic variants cluster (Choi et al., 2015). Missense variants in nearby residues (V273G, R274Q, Q276R/H, R280H) have been reported in the Human Gene Mutation Database in association with CMT2 (Stenson et al., 2014), supporting the functional importance of this region of the protein. However, the H277R variant is a conservative amino acid substitution, which is not likely to impact secondary protein structure as these residues share similar properties, and in silico analysis is inconsistent in its predictions as to whether or not the variant is damaging to the protein structure/function. Therefore, this variant is likely pathogenic; however, the possibility that it is benign cannot be excluded.

Inherited Neuropathy Consortium
Classification: Uncertain significance for Charcot-Marie-Tooth disease. Review status: no assertion criteria provided. Collection method: literature only. Allele origin: germline. Affected: yes. Not counted in ClinVar's aggregate classification.

Literature cited by the submitters: PubMed 16714318 (cited by Inherited Neuropathy Consortium).